The following is an entry in ClinVar:

ClinVar aggregate classification (germline): Uncertain significance (1 of 4 stars; one submission).

Submission:

Labcorp Genetics (formerly Invitae), Labcorp
Classification: Uncertain significance. Last evaluated: 2025-01-26. Review status: criteria provided, single submitter. Criteria: Invitae Variant Classification Sherloc (09022015). Collection method: clinical testing. Allele origin: germline.
Comment: This sequence change replaces lysine, which is basic and polar, with arginine, which is basic and polar, at codon 2794 of the BPTF protein (p.Lys2794Arg). This variant is not present in population databases (gnomAD no frequency). This variant has not been reported in the literature in individuals affected with BPTF-related conditions. An algorithm developed to predict the effect of missense changes on protein structure and function (PolyPhen-2) suggests that this variant is likely to be tolerated. In summary, the available evidence is currently insufficient to determine the role of this variant in disease. Therefore, it has been classified as a Variant of Uncertain Significance.

NM_182641.4(BPTF):c.8432A>G (p.Lys2811Arg)

Gene: BPTF (bromodomain PHD finger transcription factor; plus strand). Cytogenetic location: 17q24.2.
Variant type: single nucleotide variant.
Coding change: c.8432A>G on transcript NM_182641.4 (MANE Select); coding-DNA position 8432, A replaced by G.
Protein change: p.Lys2811Arg; replaces lysine 2811 with arginine.
Molecular consequence: missense variant.
Genome position (GRCh38, 1-based): chr17:67,964,382, A>G. VCF-style: chr17-67964382-A-G. GRCh37 (hg19) VCF-style: chr17-65960498-A-G.
Other names: c.8621A>G, p.Lys2874Arg (NM_001439139.1); c.8555A>G, p.Lys2852Arg (NM_001439140.1); c.8528A>G, p.Lys2843Arg (NM_001439141.1); c.8381A>G, p.Lys2794Arg (NM_001439142.1, NM_004459.7); c.8192A>G, p.Lys2731Arg (NM_001439143.1, NM_001439144.1); short protein forms K2731R, K2794R, K2811R, K2874R, K2843R, K2852R.
Identifiers: ClinVar variation 4711892 (VCV004711892.1).